The following is an entry in ClinVar:

ClinVar aggregate classification (germline): Benign/Likely benign. Review status: criteria provided, multiple submitters, no conflicts (2 of 4 stars). 3 submissions from 3 submitters: Benign (1); Likely benign (2). Last evaluated 2025-09-24.

Conditions:
Familial cancer of breast. Also called: BREAST CANCER, FAMILIAL; Hereditary breast cancer; hereditary breast carcinoma. Identifiers: Orphanet 227535, MedGen C0346153, MONDO:0016419, OMIM 114480. Disease mechanism: loss of function.
Hereditary cancer-predisposing syndrome. Also called: Neoplastic Syndromes, Hereditary; Hereditary neoplastic syndrome; Hereditary Cancer Syndrome; Tumor predisposition. Identifiers: Orphanet 140162, MedGen C0027672, MeSH D009386, MONDO:0015356.
Ataxia-telangiectasia syndrome (AT). Also called: Ataxia-telangiectasia, complementation group D; Ataxia-telangiectasia, complementation group E; Cerebello-oculocutaneous telangiectasia; Immunodeficiency with ataxia telangiectasia; Ataxia telangiectasia (A-T); Ataxia-telangiectasia. Identifiers: Orphanet 100, MedGen C0004135, MONDO:0008840, OMIM 208900.

Submissions (3):

Labcorp Genetics (formerly Invitae), Labcorp
Classification: Likely benign for Ataxia-telangiectasia syndrome. Last evaluated: 2025-09-24. Review status: criteria provided, single submitter. Criteria: Invitae Variant Classification Sherloc (09022015). Collection method: clinical testing. Allele origin: germline.

Myriad Genetics, Inc.
Classification: Benign for Familial cancer of breast. Last evaluated: 2024-04-26. Review status: criteria provided, single submitter. Criteria: Myriad Autosomal Dominant, Autosomal Recessive and X-Linked Classification Criteria (2023). Collection method: clinical testing. Allele origin: unknown.
Comment: This variant is considered benign. This variant is a silent/synonymous amino acid change and it is not expected to impact splicing.

Ambry Genetics
Classification: Likely benign for Hereditary cancer-predisposing syndrome. Last evaluated: 2023-12-23. Review status: criteria provided, single submitter. Criteria: Ambry Variant Classification Scheme 2023. Collection method: clinical testing. Allele origin: germline.

NM_000051.4(ATM):c.1293G>A (p.Glu431=)

Gene: ATM (ATM serine/threonine kinase; plus strand). Cytogenetic location: 11q22.3.
Variant type: single nucleotide variant.
Coding change: c.1293G>A on transcript NM_000051.4 (MANE Select); coding-DNA position 1293, G replaced by A.
Protein change: p.Glu431=; no amino-acid change (glutamic acid 431 retained).
Molecular consequence: synonymous variant.
Genome position (GRCh38, 1-based): chr11:108,250,758, G>A. VCF-style: chr11-108250758-G-A. GRCh37 (hg19) VCF-style: chr11-108121485-G-A.
Other names: c.1293G>A, p.Glu431= (NM_001351834.2); c.1293G>A (NM_000051.3).
Identifiers: ClinVar variation 1080336 (VCV001080336.11), dbSNP rs2135317554, ClinGen allele CA476671895.